The following is an entry in ClinVar:

ClinVar aggregate classification (germline): Uncertain significance. Review status: criteria provided, multiple submitters, no conflicts (2 of 4 stars). 2 submissions from 2 submitters: Uncertain significance (2). Last evaluated 2025-11-17.

Conditions:
Perlman syndrome (PRLMNS). Identifiers: Orphanet 2849, MedGen C0796113, MONDO:0009965, OMIM 267000.

Allele frequency attached by ClinVar (database versions not stated): TOPMed 0.00002; ESP Exome Variant Server 0.00008.
gnomAD v4.1: 16 of 1,614,068 alleles (0.00099%); highest among the groups gnomAD compares: African/African-American, 0.0093%; no homozygotes.

Submissions (2):

Labcorp Genetics (formerly Invitae), Labcorp
Classification: Uncertain significance for Perlman syndrome. Last evaluated: 2025-11-17. Review status: criteria provided, single submitter. Criteria: Invitae Variant Classification Sherloc (09022015). Collection method: clinical testing. Allele origin: germline.
Comment: This sequence change replaces alanine, which is neutral and non-polar, with valine, which is neutral and non-polar, at codon 510 of the DIS3L2 protein (p.Ala510Val). This variant is present in population databases (rs377321022, gnomAD 0.006%). This variant has not been reported in the literature in individuals affected with DIS3L2-related conditions. ClinVar contains an entry for this variant (Variation ID: 853559). An algorithm developed to predict the effect of missense changes on protein structure and function outputs the following: PolyPhen-2: "Benign". The valine amino acid residue is found in multiple mammalian species, which suggests that this missense change does not adversely affect protein function. In summary, the available evidence is currently insufficient to determine the role of this variant in disease. Therefore, it has been classified as a Variant of Uncertain Significance.

Sema4
Classification: Uncertain significance for Perlman syndrome. Last evaluated: 2021-10-24. Review status: criteria provided, single submitter. Criteria: Sema4 Curation Guidelines. Collection method: curation. Allele origin: germline.
Comment: To the best of our knowledge, the DIS3L2 c.1529C>T (p.A510V) variant has not been reported in individuals with DIS3L2-related disease. This variant was observed in 6/280814 chromosomes in the large and broad cohorts of the Genome Aggregation Database (PMID: 32461654), and has been reported in ClinVar (Variation ID: 853559). In silico tools suggest the impact of the variant on protein function is benign, though these predictions have not been confirmed by functional studies. Based on the current evidence available, this variant is interpreted as a variant of uncertain significance.

NM_152383.5(DIS3L2):c.1529C>T (p.Ala510Val)

Gene: DIS3L2 (DIS3 like 3'-5' exoribonuclease 2; plus strand). Cytogenetic location: 2q37.1.
Variant type: single nucleotide variant.
Coding change: c.1529C>T on transcript NM_152383.5 (MANE Select); coding-DNA position 1529, C replaced by T.
Protein change: p.Ala510Val; replaces alanine 510 with valine.
Molecular consequence: missense variant. On other transcripts: non-coding transcript variant (2).
Genome position (GRCh38, 1-based): chr2:232,263,310, C>T. VCF-style: chr2-232263310-C-T. GRCh37 (hg19) VCF-style: chr2-233128020-C-T.
Other names: c.1529C>T, p.Ala510Val (NM_001257281.2); short protein forms A510V.
Identifiers: ClinVar variation 853559 (VCV000853559.8), dbSNP rs377321022, ClinGen allele CA2164179.